The following is an entry in ClinVar:

ClinVar aggregate classification (germline): Uncertain significance (1 of 4 stars; one submission).

Conditions:
Cardiovascular phenotype. Identifiers: MedGen CN230736.

Submission:

Ambry Genetics
Classification: Uncertain significance for Cardiovascular phenotype. Last evaluated: 2022-10-02. Review status: criteria provided, single submitter. Criteria: Ambry Variant Classification Scheme 2023. Collection method: clinical testing. Allele origin: germline.
Comment: The p.H2P variant (also known as c.5A>C), located in coding exon 1 of the SCN2B gene, results from an A to C substitution at nucleotide position 5. The histidine at codon 2 is replaced by proline, an amino acid with similar properties. This amino acid position is conserved. In addition, the in silico prediction for this alteration is inconclusive. Since supporting evidence is limited at this time, the clinical significance of this alteration remains unclear.

NM_004588.5(SCN2B):c.5A>C (p.His2Pro)

Gene: SCN2B (sodium voltage-gated channel beta subunit 2; minus strand). Cytogenetic location: 11q23.3.
Variant type: single nucleotide variant.
Coding change: c.5A>C on transcript NM_004588.5 (MANE Select); coding-DNA position 5, A replaced by C.
Protein change: p.His2Pro; replaces histidine 2 with proline.
Molecular consequence: missense variant.
Genome position (GRCh38, 1-based): chr11:118,176,427, T>G on the plus strand (A>C on the coding strand, the complement: SCN2B is on the minus strand). VCF-style: chr11-118176427-T-G. GRCh37 (hg19) VCF-style: chr11-118047142-T-G.
Other names: short protein forms H2P.
Identifiers: ClinVar variation 1750974 (VCV001750974.2), dbSNP rs765743471, ClinGen allele CA382771517.